The following is an entry in ClinVar:

NM_001371533.1(FUT8):c.1038A>C (p.Ile346=)

Gene: FUT8 (fucosyltransferase 8; plus strand). Cytogenetic location: 14q23.3.
Variant type: single nucleotide variant.
Coding change: c.1038A>C on transcript NM_001371533.1 (MANE Select); coding-DNA position 1038, A replaced by C.
Protein change: p.Ile346=; no amino-acid change (isoleucine 346 retained).
Molecular consequence: synonymous variant.
Genome position (GRCh38, 1-based): chr14:65,721,977, A>C. VCF-style: chr14-65721977-A-C. GRCh37 (hg19) VCF-style: chr14-66188695-A-C.
Other names: c.1038A>C, p.Ile346= (NM_001371534.1, NM_178155.3, NM_178156.2); c.1140A>C, p.Ile380= (NM_001371536.1); c.549A>C, p.Ile183= (NM_004480.4).
Identifiers: ClinVar variation 3055050 (VCV003055050.4), dbSNP rs189122599, ClinGen allele CA7233370.

ClinVar aggregate classification (germline): Likely benign. Review status: criteria provided, single submitter (1 of 4 stars). 2 submissions from 2 submitters: Likely benign (1). 1 of the submissions does not count toward it. Last evaluated 2025-04-12.

Conditions:
FUT8-related disorder. Also called: FUT8-related condition.

Allele frequency attached by ClinVar (database versions not stated): ExAC 0.00007; TOPMed 0.00030; 1000 Genomes Project 0.00120; gnomAD exomes 0.00005; gnomAD 0.00026; 1000 Genomes Project 30x 0.00187.
gnomAD v4.1: 118 of 1,614,250 alleles (0.0073%); highest among the groups gnomAD compares: Admixed American, 0.19%; no homozygotes.

Submissions (2):

Labcorp Genetics (formerly Invitae), Labcorp
Classification: Likely benign. Last evaluated: 2025-04-12. Review status: criteria provided, single submitter. Criteria: Invitae Variant Classification Sherloc (09022015). Collection method: clinical testing. Allele origin: germline.

PreventionGenetics, part of Exact Sciences
Classification: Likely benign for FUT8-related condition. Last evaluated: 2020-05-04. Review status: no assertion criteria provided. Collection method: clinical testing. Allele origin: germline. Not counted in ClinVar's aggregate classification.
Comment: This variant is classified as likely benign based on ACMG/AMP sequence variant interpretation guidelines (Richards et al. 2015 PMID: 25741868, with internal and published modifications).